The following is an entry in ClinVar:

ClinVar aggregate classification (germline): Uncertain significance (0 of 4 stars; one submission).

Conditions:
UNC13A-related disorder. Also called: UNC13A-related condition.

gnomAD v4.1: 22 of 1,552,778 alleles (0.0014%); highest among the groups gnomAD compares: Non-Finnish European, 0.0018%; no homozygotes.

Submission:

PreventionGenetics, part of Exact Sciences
Classification: Uncertain significance for UNC13A-related condition. Last evaluated: 2024-05-03. Review status: no assertion criteria provided. Collection method: clinical testing. Allele origin: germline.
Comment: The UNC13A c.1073A>G variant is predicted to result in the amino acid substitution p.Tyr358Cys. This variant was reported in an individual with sporadic amyotrophic lateral sclerosis (ALS) (Krüger et al 2016. PubMed ID: 27790088). This variant is reported in 0.0026% of alleles in individuals of European (Non-Finnish) descent in gnomAD. At this time, the clinical significance of this variant is uncertain due to the absence of conclusive functional and genetic evidence.

NM_001080421.3(UNC13A):c.1073A>G (p.Tyr358Cys)

Gene: UNC13A (unc-13 homolog A; minus strand). Cytogenetic location: 19p13.11.
Variant type: single nucleotide variant.
Coding change: c.1073A>G on transcript NM_001080421.3 (MANE Select); coding-DNA position 1073, A replaced by G.
Protein change: p.Tyr358Cys; replaces tyrosine 358 with cysteine.
Molecular consequence: missense variant.
Genome position (GRCh38, 1-based): chr19:17,656,093, T>C on the plus strand (A>G on the coding strand, the complement: UNC13A is on the minus strand). VCF-style: chr19-17656093-T-C. GRCh37 (hg19) VCF-style: chr19-17766902-T-C.
Other names: c.1073A>G, p.Tyr358Cys (NM_001387021.1, NM_001387022.1, NM_001387023.1); short protein forms Y358C.
Identifiers: ClinVar variation 3352091 (VCV003352091.1).